The following is an entry in ClinVar:

ClinVar aggregate classification (germline): Uncertain significance. Review status: criteria provided, multiple submitters, no conflicts (2 of 4 stars). 2 submissions from 2 submitters: Uncertain significance (2). Last evaluated 2025-08-14.

Conditions:
Landau-Kleffner syndrome (FESD). Also called: EPILEPSY, FOCAL, WITH SPEECH DISORDER AND WITH OR WITHOUT MENTAL RETARDATION; APHASIA, ACQUIRED, WITH EPILEPSY. Identifiers: Orphanet 1945, Orphanet 725, Orphanet 98818, MedGen C0282512, MONDO:0009509, OMIM 245570.

gnomAD v4.1: 1 of 1,614,040 alleles (0.000062%); highest among the groups gnomAD compares: Non-Finnish European, 0.000085%; no homozygotes.

Submissions (2):

Labcorp Genetics (formerly Invitae), Labcorp
Classification: Uncertain significance for Landau-Kleffner syndrome. Last evaluated: 2025-08-14. Review status: criteria provided, single submitter. Criteria: Invitae Variant Classification Sherloc (09022015). Collection method: clinical testing. Allele origin: germline.
Comment: This sequence change replaces proline, which is neutral and non-polar, with threonine, which is neutral and polar, at codon 857 of the GRIN2A protein (p.Pro857Thr). This variant is not present in population databases (gnomAD no frequency). This variant has not been reported in the literature in individuals affected with GRIN2A-related conditions. ClinVar contains an entry for this variant (Variation ID: 1192884). Invitae Evidence Modeling of protein sequence and biophysical properties (such as structural, functional, and spatial information, amino acid conservation, physicochemical variation, residue mobility, and thermodynamic stability) indicates that this missense variant is not expected to disrupt GRIN2A protein function with a negative predictive value of 95%. In summary, the available evidence is currently insufficient to determine the role of this variant in disease. Therefore, it has been classified as a Variant of Uncertain Significance.

GeneDx
Classification: Uncertain significance. Last evaluated: 2023-11-05. Review status: criteria provided, single submitter. Criteria: GeneDx Variant Classification Process June 2021. Collection method: clinical testing. Allele origin: germline. Affected: yes.
Comment: Not observed in large population cohorts (gnomAD); In silico analysis supports that this missense variant has a deleterious effect on protein structure/function; Has not been previously published as pathogenic or benign to our knowledge

NM_001134407.3(GRIN2A):c.2569C>A (p.Pro857Thr)

Gene: GRIN2A (glutamate ionotropic receptor NMDA type subunit 2A; minus strand). Cytogenetic location: 16p13.2.
Variant type: single nucleotide variant.
Coding change: c.2569C>A on transcript NM_001134407.3 (MANE Select); coding-DNA position 2569, C replaced by A.
Protein change: p.Pro857Thr; replaces proline 857 with threonine.
Molecular consequence: missense variant.
Genome position (GRCh38, 1-based): chr16:9,768,877, G>T on the plus strand (C>A on the coding strand, the complement: GRIN2A is on the minus strand). VCF-style: chr16-9768877-G-T. GRCh37 (hg19) VCF-style: chr16-9862734-G-T.
Other names: c.2569C>A, p.Pro857Thr (NM_000833.5, NM_001134408.2); short protein forms P857T.
Identifiers: ClinVar variation 1192884 (VCV001192884.11), dbSNP rs1195869916, ClinGen allele CA394709854.